The following is an entry in ClinVar:

NM_015102.5(NPHP4):c.2304+1G>A

Gene: NPHP4 (nephrocystin 4; minus strand). Cytogenetic location: 1p36.31.
Variant type: single nucleotide variant.
Coding change: c.2304+1G>A on transcript NM_015102.5 (MANE Select); the canonical splice donor site of the intron after coding-DNA position 2304, G replaced by A.
Molecular consequence: splice donor variant.
Genome position (GRCh38, 1-based): chr1:5,890,867, C>T on the plus strand (G>A on the coding strand, the complement: NPHP4 is on the minus strand). VCF-style: chr1-5890867-C-T. GRCh37 (hg19) VCF-style: chr1-5950927-C-T.
Other names: c.768+1G>A (NM_001291594.2); c.765+1G>A (NM_001291593.2).
Identifiers: ClinVar variation 949949 (VCV000949949.11), dbSNP rs757412845, ClinGen allele CA554212.
Genomic context (GRCh38, chr1:5,890,867, plus strand): 5'-CGTGACTCGTCCCATGAGGGACGCAGCACCCACTGTGCCTGTCCTTCCAGAGAGCCGCTA[C>T]CTTCATCTGGACGGCAGCAGATCCGATGAGCAGCAGGGAGTCTCCGTCCCAGACGTCAAT-3'

ClinVar aggregate classification (germline): Pathogenic. Review status: criteria provided, multiple submitters, no conflicts (2 of 4 stars). 2 submissions from 2 submitters: Pathogenic (2). Last evaluated 2022-10-17.

Conditions:
Nephronophthisis. Also called: Juvenile Nephronophthisis. Identifiers: Orphanet 655, MedGen C0687120, MONDO:0019005, HP:0000090.
Nephronophthisis 4 (NPHP4). Also called: NEPHRONOPHTHISIS 4, JUVENILE. Identifiers: Orphanet 655, MedGen C1847013, MONDO:0011752, OMIM 606966.

Allele frequency attached by ClinVar (database versions not stated): ExAC 0.00001; gnomAD exomes 0.00001.
gnomAD v4.1: 3 of 1,608,230 alleles (0.00019%); highest among the groups gnomAD compares: East Asian, 0.0067%; no homozygotes.

Submissions (2):

Labcorp Genetics (formerly Invitae), Labcorp
Classification: Pathogenic for Nephronophthisis. Last evaluated: 2022-10-17. Review status: criteria provided, single submitter. Criteria: Invitae Variant Classification Sherloc (09022015). Collection method: clinical testing. Allele origin: germline.
Comment: For these reasons, this variant has been classified as Pathogenic. Algorithms developed to predict the effect of sequence changes on RNA splicing suggest that this variant may disrupt the consensus splice site. ClinVar contains an entry for this variant (Variation ID: 949949). Disruption of this splice site has been observed in individual(s) with clinical features of nephronophthisis (Invitae). In at least one individual the data is consistent with being in trans (on the opposite chromosome) from a pathogenic variant. The frequency data for this variant in the population databases is considered unreliable, as metrics indicate poor data quality at this position in the gnomAD database. This sequence change affects a donor splice site in intron 17 of the NPHP4 gene. It is expected to disrupt RNA splicing. Variants that disrupt the donor or acceptor splice site typically lead to a loss of protein function (PMID: 16199547), and loss-of-function variants in NPHP4 are known to be pathogenic (PMID: 12205563, 23559409).

3billion
Classification: Pathogenic for Nephronophthisis 4. Last evaluated: 2022-09-01. Review status: criteria provided, single submitter. Criteria: ACMG Guidelines, 2015. Collection method: clinical testing. Allele origin: germline. Affected: yes. Observed: 1 homozygote.
Comment: The variant is observed at an extremely low frequency in the gnomAD v2.1.1 dataset (total allele frequency: <0.001%). Canonical splice site is predicted to alter splicing and result in a loss or disruption of normal protein function. Multiple pathogenic loss-of-function variants are reported downstream of the variant. The variant has been reported to be associated with NPHP4-related disorder (ClinVar ID: VCV000949949). Therefore, this variant is classified as Pathogenic according to the recommendation of ACMG/AMP guideline.

Literature cited by the submitters: PubMed 16199547 (cited by Labcorp Genetics (formerly Invitae), Labcorp); PubMed 12205563 (cited by Labcorp Genetics (formerly Invitae), Labcorp); PubMed 23559409 (cited by Labcorp Genetics (formerly Invitae), Labcorp).